The following is an entry in ClinVar:

NM_006086.4(TUBB3):c.702C>T (p.Ser234=)

Gene: TUBB3 (tubulin beta 3 class III; plus strand). Cytogenetic location: 16q24.3.
Variant type: single nucleotide variant.
Coding change: c.702C>T on transcript NM_006086.4 (MANE Select); coding-DNA position 702, C replaced by T.
Protein change: p.Ser234=; no amino-acid change (serine 234 retained).
Molecular consequence: synonymous variant.
Genome position (GRCh38, 1-based): chr16:89,935,153, C>T. VCF-style: chr16-89935153-C-T. GRCh37 (hg19) VCF-style: chr16-90001561-C-T.
Other names: p.S234S:AGC>AGT; p.Ser234=; c.486C>T, p.Ser162= (NM_001197181.2).
Identifiers: ClinVar variation 137857 (VCV000137857.19), dbSNP rs147245174, ClinGen allele CA173799.
Genomic context (GRCh38, chr16:89,935,153, plus strand): 5'-CCTCAAGCTGGCCACGCCCACCTACGGGGACCTCAACCACCTGGTATCGGCCACCATGAG[C>T]GGAGTCACCACCTCCTTGCGCTTCCCGGGCCAGCTCAACGCTGACCTGCGCAAGCTGGCC-3'
Protein context (NP_006077.2, residues 224-244): DLNHLVSATM[Ser234=]GVTTSLRFPG

ClinVar aggregate classification (germline): Benign/Likely benign. Review status: criteria provided, multiple submitters, no conflicts (2 of 4 stars). 8 submissions from 8 submitters: Benign (4); Likely benign (1). 3 of the submissions do not count toward it. Last evaluated 2026-01-31.

Allele frequency attached by ClinVar (database versions not stated): TOPMed 0.00781; gnomAD 0.00803 and 0.00879; ESP Exome Variant Server 0.00808; 1000 Genomes Project 30x 0.00953; 1000 Genomes Project 0.01058; gnomAD exomes 0.01245 and 0.01308; ExAC 0.01290.
gnomAD v4.1: 20,448 of 1,614,080 alleles (1.3%); highest among the groups gnomAD compares: South Asian, 3.6%; 204 homozygotes.

Submissions (8):

Labcorp Genetics (formerly Invitae), Labcorp
Classification: Benign. Last evaluated: 2026-01-31. Review status: criteria provided, single submitter. Criteria: Invitae Variant Classification Sherloc (09022015). Collection method: clinical testing. Allele origin: germline.

Blueprint Genetics
Classification: Likely benign. Last evaluated: 2024-11-27. Review status: criteria provided, single submitter. Criteria: ACMG Guidelines, 2015. Collection method: clinical testing. Allele origin: germline.

Mayo Clinic Laboratories, Mayo Clinic
Classification: Benign. Last evaluated: 2016-04-28. Review status: criteria provided, single submitter. Criteria: ACMG Guidelines, 2015. Collection method: clinical testing. Allele origin: germline. Observed: 58 variant alleles.

GeneDx
Classification: Benign. Last evaluated: 2014-04-01. Review status: criteria provided, single submitter. Criteria: GeneDx Variant Classification (06012015). Collection method: clinical testing. Allele origin: germline. Affected: yes.
Comment: This variant is considered likely benign or benign based on one or more of the following criteria: it is a conservative change, it occurs at a poorly conserved position in the protein, it is predicted to be benign by multiple in silico algorithms, and/or has population frequency not consistent with disease.

Breakthrough Genomics
Classification: Benign. Review status: criteria provided, single submitter. Criteria: ACMG Guidelines, 2015. Collection method: not provided. Allele origin: germline. Inheritance: Autosomal dominant inheritance. Affected: yes.

Clinical Genetics DNA and cytogenetics Diagnostics Lab, Erasmus MC, Erasmus Medical Center
Classification: Likely benign. Review status: no assertion criteria provided. Collection method: clinical testing. Allele origin: germline. Affected: yes. Study: VKGL Data-share Consensus. Not counted in ClinVar's aggregate classification.

Clinical Genetics, Academic Medical Center
Classification: Benign. Review status: no assertion criteria provided. Collection method: clinical testing. Allele origin: germline. Affected: yes. Study: VKGL Data-share Consensus. Not counted in ClinVar's aggregate classification.

Genetic Services Laboratory, University of Chicago
Classification: Likely benign. Review status: no assertion criteria provided. Collection method: clinical testing. Allele origin: germline. Inheritance: Autosomal dominant inheritance. Not counted in ClinVar's aggregate classification.
Comment: Likely benign based on allele frequency in 1000 Genomes Project or ESP global frequency and its presence in a patient with a rare or unrelated disease phenotype. NOT Sanger confirmed